The following is an entry in ClinVar:

NM_004656.4(BAP1):c.1131G>A (p.Leu377=)

Gene: BAP1 (BRCA1 associated deubiquitinase 1; minus strand). Cytogenetic location: 3p21.1.
Variant type: single nucleotide variant.
Coding change: c.1131G>A on transcript NM_004656.4 (MANE Select); coding-DNA position 1131, G replaced by A.
Protein change: p.Leu377=; no amino-acid change (leucine 377 retained).
Molecular consequence: synonymous variant.
Genome position (GRCh38, 1-based): chr3:52,404,572, C>T on the plus strand (G>A on the coding strand, the complement: BAP1 is on the minus strand). VCF-style: chr3-52404572-C-T. GRCh37 (hg19) VCF-style: chr3-52438588-C-T.
Identifiers: ClinVar variation 444604 (VCV000444604.61), dbSNP rs572089064, ClinGen allele CA74741507.

ClinVar aggregate classification (germline): Conflicting classifications of pathogenicity. Review status: criteria provided, conflicting classifications (1 of 4 stars). 7 submissions from 7 submitters: Uncertain significance (2); Benign (1); Likely benign (4). Last evaluated 2026-01-26.

Conditions:
Hereditary cancer-predisposing syndrome. Also called: Hereditary neoplastic syndrome; Tumor predisposition; Hereditary Cancer Syndrome; Neoplastic Syndromes, Hereditary. Identifiers: Orphanet 140162, MedGen C0027672, MeSH D009386, MONDO:0015356.
BAP1-related tumor predisposition syndrome (TPDS1). Also called: Tumor susceptibility linked to germline BAP1 mutations; BAP1 tumor predisposition syndrome; COMMON Syndrome; TUMOR PREDISPOSITION SYNDROME 1. Identifiers: Orphanet 289539, MedGen C3280492, MONDO:0013692, OMIM 614327.
BAP1-related disorder. Also called: BAP1-related condition.

Allele frequency attached by ClinVar (database versions not stated): TOPMed 0.00002; gnomAD exomes below 0.00001; gnomAD 0.00001.
gnomAD v4.1: 29 of 1,613,578 alleles (0.0018%); highest among the groups gnomAD compares: Non-Finnish European, 0.0022%; no homozygotes.

Submissions (7):

Labcorp Genetics (formerly Invitae), Labcorp
Classification: Likely benign for BAP1-related tumor predisposition syndrome. Last evaluated: 2026-01-26. Review status: criteria provided, single submitter. Criteria: Invitae Variant Classification Sherloc (09022015). Collection method: clinical testing. Allele origin: germline.

PreventionGenetics, part of Exact Sciences
Classification: Likely benign for BAP1-related condition. Last evaluated: 2024-10-17. Review status: criteria provided, single submitter. Criteria: ACMG Guidelines, 2015. Collection method: clinical testing. Allele origin: germline.
Comment: This variant is classified as likely benign based on ACMG/AMP sequence variant interpretation guidelines (Richards et al. 2015 PMID: 25741868, with internal and published modifications).

Myriad Genetics, Inc.
Classification: Benign for BAP1-related tumor predisposition syndrome. Last evaluated: 2024-07-15. Review status: criteria provided, single submitter. Criteria: Myriad Autosomal Dominant, Autosomal Recessive and X-Linked Classification Criteria (2023). Collection method: clinical testing. Allele origin: unknown.
Comment: This variant is considered benign. This variant is a silent/synonymous amino acid change and it is not expected to impact splicing.

GeneDx
Classification: Uncertain significance. Last evaluated: 2024-02-20. Review status: criteria provided, single submitter. Criteria: GeneDx Variant Classification Process June 2021. Collection method: clinical testing. Allele origin: germline. Affected: yes.
Comment: Not observed at significant frequency in large population cohorts (gnomAD); In silico analysis supports that this variant does not alter splicing; Has not been previously published as pathogenic or benign to our knowledge

Ambry Genetics
Classification: Likely benign for Hereditary cancer-predisposing syndrome. Last evaluated: 2018-03-22. Review status: criteria provided, single submitter. Criteria: Ambry Variant Classification Scheme 2023. Collection method: clinical testing. Allele origin: germline.

Color Diagnostics, LLC DBA Color Health
Classification: Likely benign for Hereditary cancer-predisposing syndrome. Last evaluated: 2017-05-10. Review status: criteria provided, single submitter. Criteria: ACMG Guidelines, 2015. Collection method: clinical testing. Allele origin: germline.

CeGaT Center for Human Genetics Tuebingen
Classification: Uncertain significance. Last evaluated: 2017-05-01. Review status: criteria provided, single submitter. Criteria: CeGaT Center For Human Genetics Tuebingen Variant Classification Criteria Version 2. Collection method: clinical testing. Allele origin: germline. Affected: yes. Observed: 1 variant allele.